The following is an entry in ClinVar:

ClinVar aggregate classification (germline): Uncertain significance. Review status: criteria provided, multiple submitters, no conflicts (2 of 4 stars). 2 submissions from 2 submitters: Uncertain significance (2). Last evaluated 2026-07-01.

Conditions:
Glycogen storage disease, type II (IOPD). Also called: CARDIOMEGALIA GLYCOGENICA DIFFUSA; GLYCOGENOSIS, GENERALIZED, CARDIAC FORM; GSD II; Glycogen storage disease type 2; Acid maltase deficiency disease; Aglucosidase alfa. Identifiers: Orphanet 365, MedGen C0017921, MONDO:0009290, OMIM 232300.

Submissions (2):

Genomenon, Inc
Classification: Uncertain significance for Glycogen storage disease, type II. Last evaluated: 2026-07-01. Review status: criteria provided, single submitter. Criteria: Genomenon Sequence Variant Interpretation Standards - Updated. Collection method: curation. Allele origin: germline. Affected: yes.
Comment: GAA p.Leu169Pro (c.506T>C) is a missense variant that changes the amino acid at codon 169 from Leucine to Proline. This variant has been observed in at least one proband with a GAA-related disorder in the compound heterozygous and/or homozygous state (PMID:17616415). Splicing studies have been reported (PMID:31301153). It is absent or not present at a significant frequency in gnomAD. In silico models predict that this variant is possibly or probably damaging. In conclusion, we classify GAA p.Leu169Pro (c.506T>C) as a variant of uncertain significance.

Revvity Omics, Revvity
Classification: Uncertain significance. Last evaluated: 2019-03-05. Review status: criteria provided, single submitter. Criteria: ACMG Guidelines, 2015. Collection method: clinical testing. Allele origin: germline.

Literature cited by the submitters: PubMed 17616415 (cited by Genomenon, Inc); PubMed 31301153 (cited by Genomenon, Inc).

NM_000152.5(GAA):c.506T>C (p.Leu169Pro)

Gene: GAA (alpha glucosidase; plus strand). Cytogenetic location: 17q25.3.
Variant type: single nucleotide variant.
Coding change: c.506T>C on transcript NM_000152.5 (MANE Select); coding-DNA position 506, T replaced by C.
Protein change: p.Leu169Pro; replaces leucine 169 with proline.
Molecular consequence: missense variant.
Genome position (GRCh38, 1-based): chr17:80,105,092, T>C. VCF-style: chr17-80105092-T-C. GRCh37 (hg19) VCF-style: chr17-78078891-T-C.
Other names: c.506T>C, p.Leu169Pro (NM_001079803.3, NM_001079804.3, NM_001406741.1 and 1 more transcripts); short protein forms L169P.
Identifiers: ClinVar variation 2431972 (VCV002431972.4), dbSNP rs2510347438, ClinGen allele CA401361685.